The following is an entry in ClinVar:

NM_178170.3(NEK8):c.*578A>C

Gene: NEK8 (NIMA related kinase 8; plus strand). Cytogenetic location: 17q11.2.
Variant type: single nucleotide variant.
Coding change: c.*578A>C on transcript NM_178170.3 (MANE Select); 578 bases downstream of the stop codon, A replaced by C.
Molecular consequence: 3 prime UTR variant.
Genome position (GRCh38, 1-based): chr17:28,742,565, A>C. VCF-style: chr17-28742565-A-C. GRCh37 (hg19) VCF-style: chr17-27069583-A-C.
Identifiers: ClinVar variation 322500 (VCV000322500.6), dbSNP rs185303602, ClinGen allele CA10639301.

ClinVar aggregate classification (germline): Likely benign. Review status: criteria provided, multiple submitters, no conflicts (2 of 4 stars). 2 submissions from 2 submitters: Likely benign (2). Last evaluated 2018-01-13.

Conditions:
Nephronophthisis 9 (NPHP9). Identifiers: Orphanet 655, MedGen C3151188, MONDO:0013444, OMIM 613824.

Allele frequency attached by ClinVar (database versions not stated): gnomAD exomes 0.00693; TOPMed 0.01345; gnomAD 0.01535 and 0.01499; 1000 Genomes Project 30x 0.00515; 1000 Genomes Project 0.00519.
gnomAD v4.1: 2,405 of 167,214 alleles (1.4%); highest among the groups gnomAD compares: Non-Finnish European, 2.1%; 23 homozygotes.

Submissions (2):

Illumina Laboratory Services, Illumina
Classification: Likely benign for Nephronophthisis 9. Last evaluated: 2018-01-13. Review status: criteria provided, single submitter. Criteria: ICSL Variant Classification Criteria 13 December 2019. Collection method: clinical testing. Allele origin: germline.
Comment: This variant was observed in the ICSL laboratory as part of a predisposition screen in an ostensibly healthy population. It had not been previously curated by ICSL or reported in the Human Gene Mutation Database (HGMD: prior to June 1st, 2018), and was therefore a candidate for classification through an automated scoring system. Utilizing variant allele frequency, disease prevalence and penetrance estimates, and inheritance mode, an automated score was calculated to assess if this variant is too frequent to cause the disease. Based on the score and internal cut-off values, a variant classified as likely benign is not then subjected to further curation. The score for this variant resulted in a classification of likely benign for this disease.

Breakthrough Genomics
Classification: Likely benign. Review status: criteria provided, single submitter. Criteria: ACMG Guidelines, 2015. Collection method: not provided. Allele origin: germline. Inheritance: Autosomal recessive inheritance. Affected: yes.